The following is an entry in ClinVar:

NM_198576.4(AGRN):c.1607G>A (p.Arg536His)

Gene: AGRN (agrin; plus strand). Cytogenetic location: 1p36.33.
Variant type: single nucleotide variant.
Coding change: c.1607G>A on transcript NM_198576.4 (MANE Select); coding-DNA position 1607, G replaced by A.
Protein change: p.Arg536His; replaces arginine 536 with histidine.
Molecular consequence: missense variant.
Genome position (GRCh38, 1-based): chr1:1,043,541, G>A. VCF-style: chr1-1043541-G-A. GRCh37 (hg19) VCF-style: chr1-978921-G-A.
Other names: c.1607G>A (NM_198576.3); c.1607G>A, p.Arg536His (NM_001305275.2); c.1292G>A, p.Arg431His (NM_001364727.2); short protein forms R431H, R536H.
Identifiers: ClinVar variation 1417816 (VCV001417816.8), dbSNP rs369083997, ClinGen allele CA508270.

ClinVar aggregate classification (germline): Uncertain significance. Review status: criteria provided, multiple submitters, no conflicts (2 of 4 stars). 2 submissions from 2 submitters: Uncertain significance (2). Last evaluated 2025-08-05.

Conditions:
Inborn genetic diseases. Identifiers: MedGen C0950123, MeSH D030342.
Congenital myasthenic syndrome 8. Also called: MYASTHENIC SYNDROME, CONGENITAL, DUE TO AGRIN DEFICIENCY; Myasthenic syndrome, congenital, 8, with pre- and postsynaptic defects. Identifiers: Orphanet 590, MedGen C3808739, MONDO:0014052, OMIM 615120.

Allele frequency attached by ClinVar (database versions not stated): gnomAD exomes 0.00002; ExAC 0.00003; ESP Exome Variant Server 0.00008.
gnomAD v4.1: 8 of 1,603,744 alleles (0.0005%); highest among the groups gnomAD compares: African/African-American, 0.004%; no homozygotes.

Submissions (2):

Ambry Genetics
Classification: Uncertain significance for Inborn genetic diseases. Last evaluated: 2025-08-05. Review status: criteria provided, single submitter. Criteria: Ambry Variant Classification Scheme 2023. Collection method: clinical testing. Allele origin: germline.

Labcorp Genetics (formerly Invitae), Labcorp
Classification: Uncertain significance for Congenital myasthenic syndrome 8. Last evaluated: 2021-01-31. Review status: criteria provided, single submitter. Criteria: Invitae Variant Classification Sherloc (09022015). Collection method: clinical testing. Allele origin: germline.
Comment: In summary, the available evidence is currently insufficient to determine the role of this variant in disease. Therefore, it has been classified as a Variant of Uncertain Significance. Algorithms developed to predict the effect of missense changes on protein structure and function output the following: SIFT: "Tolerated"; PolyPhen-2: "Possibly Damaging"; Align-GVGD: "Class C0". The histidine amino acid residue is found in multiple mammalian species, suggesting that this missense change does not adversely affect protein function. These predictions have not been confirmed by published functional studies and their clinical significance is uncertain. This sequence change replaces arginine with histidine at codon 536 of the AGRN protein (p.Arg536His). The arginine residue is moderately conserved and there is a small physicochemical difference between arginine and histidine. This variant is present in population databases (rs369083997, ExAC 0.01%). This variant has not been reported in the literature in individuals with AGRN-related conditions.